The following is an entry in ClinVar:

NC_000005.10:g.112851086G>T

Variant type: single nucleotide variant.
Genome position: GRCh38 VCF-style: chr5-112851086-G-T. GRCh37 (hg19) VCF-style: chr5-112186783-G-T.
Identifiers: ClinVar variation 82681 (VCV000082681.3), dbSNP rs79636346, ClinGen allele CA250821.
Genomic context (GRCh38, chr5:112,851,086, plus strand): 5'-TGGGATTACAGGCATCCACCAACACACCCAGCTAATCTTTTGTATTTTTAGTAGAGACAG[G>T]GTTTTACCATTTTGGTCAGGCTGGTCTCAAACTCCTGAGCTTAGGTGATCCGCCCACCTT-3'

ClinVar aggregate classification (germline): other (0 of 4 stars; one submission).

Conditions:
Familial colorectal cancer. Identifiers: MedGen CN280943, MONDO:0023113. Disease mechanism: loss of function.

Submission:

Systems Biology Platform Zhejiang California International NanoSystems Institute
Classification: other for Familial colorectal cancer. Review status: no assertion criteria provided. Collection method: not provided. Allele origin: unknown.
ClinVar note: Converted during submission from cancer to other.